The following is an entry in ClinVar:

NM_000075.4(CDK4):c.562C>A (p.Gln188Lys)

Gene: CDK4 (cyclin dependent kinase 4; minus strand). Cytogenetic location: 12q14.1.
Variant type: single nucleotide variant.
Coding change: c.562C>A on transcript NM_000075.4 (MANE Select); coding-DNA position 562, C replaced by A.
Protein change: p.Gln188Lys; replaces glutamine 188 with lysine.
Molecular consequence: missense variant.
Genome position (GRCh38, 1-based): chr12:57,750,726, G>T on the plus strand (C>A on the coding strand, the complement: CDK4 is on the minus strand). VCF-style: chr12-57750726-G-T. GRCh37 (hg19) VCF-style: chr12-58144509-G-T.
Other names: short protein forms Q188K.
Identifiers: ClinVar variation 483316 (VCV000483316.14), dbSNP rs1555201274, ClinGen allele CA385545873.

ClinVar aggregate classification (germline): Uncertain significance. Review status: criteria provided, multiple submitters, no conflicts (2 of 4 stars). 2 submissions from 2 submitters: Uncertain significance (2). Last evaluated 2024-05-26.

Conditions:
Familial melanoma. Also called: Hereditary melanoma; Hereditary cutaneous melanoma. Identifiers: Orphanet 618, MedGen C1512419, MONDO:0018961.
Hereditary cancer-predisposing syndrome. Also called: Neoplastic Syndromes, Hereditary; Tumor predisposition; Hereditary Cancer Syndrome; Hereditary neoplastic syndrome. Identifiers: Orphanet 140162, MedGen C0027672, MeSH D009386, MONDO:0015356.

Allele frequency attached by ClinVar (database versions not stated): gnomAD exomes below 0.00001.

Submissions (2):

Ambry Genetics
Classification: Uncertain significance for Hereditary cancer-predisposing syndrome. Last evaluated: 2024-05-26. Review status: criteria provided, single submitter. Criteria: Ambry Variant Classification Scheme 2023. Collection method: clinical testing. Allele origin: germline.
Comment: The p.Q188K variant (also known as c.562C>A), located in coding exon 4 of the CDK4 gene, results from a C to A substitution at nucleotide position 562. The glutamine at codon 188 is replaced by lysine, an amino acid with similar properties. This amino acid position is highly conserved in available vertebrate species. In addition, this alteration is predicted to be tolerated by in silico analysis. Since supporting evidence is limited at this time, the clinical significance of this alteration remains unclear.

Labcorp Genetics (formerly Invitae), Labcorp
Classification: Uncertain significance for Familial melanoma. Last evaluated: 2023-01-24. Review status: criteria provided, single submitter. Criteria: Invitae Variant Classification Sherloc (09022015). Collection method: clinical testing. Allele origin: germline.
Comment: In summary, the available evidence is currently insufficient to determine the role of this variant in disease. Therefore, it has been classified as a Variant of Uncertain Significance. Advanced modeling of protein sequence and biophysical properties (such as structural, functional, and spatial information, amino acid conservation, physicochemical variation, residue mobility, and thermodynamic stability) performed at Invitae indicates that this missense variant is not expected to disrupt CDK4 protein function. ClinVar contains an entry for this variant (Variation ID: 483316). This variant has not been reported in the literature in individuals affected with CDK4-related conditions. This variant is not present in population databases (gnomAD no frequency). This sequence change replaces glutamine, which is neutral and polar, with lysine, which is basic and polar, at codon 188 of the CDK4 protein (p.Gln188Lys).